The following is an entry in ClinVar:

ClinVar aggregate classification (germline): Uncertain significance. Review status: criteria provided, multiple submitters, no conflicts (2 of 4 stars). 2 submissions from 2 submitters: Uncertain significance (2). Last evaluated 2026-04-07.

Conditions:
Ehlers-Danlos syndrome, classic type, 1 (EDSCL1). Also called: EHLERS-DANLOS SYNDROME, GRAVIS TYPE; EHLERS-DANLOS SYNDROME, SEVERE CLASSIC TYPE; Ehlers-Danlos syndrome, type 1; Ehlers-Danlos Syndrome, Classic Type, COL5A1-Related; EDS I. Identifiers: MedGen C0268335, MONDO:0019567, OMIM 130000.

Allele frequency attached by ClinVar (database versions not stated): gnomAD exomes 0.00001; TOPMed 0.00002; gnomAD 0.00002.
gnomAD v4.1: 11 of 1,613,468 alleles (0.00068%); highest among the groups gnomAD compares: Non-Finnish European, 0.00093%; no homozygotes.

Submissions (2):

Women's Health and Genetics/Laboratory Corporation of America, LabCorp
Classification: Uncertain significance. Last evaluated: 2026-04-07. Review status: criteria provided, single submitter. Criteria: LabCorp Variant Classification Summary - May 2015. Collection method: clinical testing. Allele origin: germline.

Labcorp Genetics (formerly Invitae), Labcorp
Classification: Uncertain significance for Ehlers-Danlos syndrome, classic type, 1. Last evaluated: 2021-10-17. Review status: criteria provided, single submitter. Criteria: Invitae Variant Classification Sherloc (09022015). Collection method: clinical testing. Allele origin: germline.
Comment: In summary, the available evidence is currently insufficient to determine the role of this variant in disease. Therefore, it has been classified as a Variant of Uncertain Significance. Variants that disrupt the consensus splice site are a relatively common cause of aberrant splicing (PMID: 17576681, 9536098). Algorithms developed to predict the effect of sequence changes on RNA splicing suggest that this variant is not likely to affect RNA splicing. This variant has not been reported in the literature in individuals affected with COL5A1-related conditions. This variant is not present in population databases (ExAC no frequency). This sequence change falls in intron 11 of the COL5A1 gene. It does not directly change the encoded amino acid sequence of the COL5A1 protein. It affects a nucleotide within the consensus splice site.

Literature cited by the submitters: PubMed 17576681 (cited by Labcorp Genetics (formerly Invitae), Labcorp); PubMed 9536098 (cited by Labcorp Genetics (formerly Invitae), Labcorp).

NM_000093.5(COL5A1):c.1495-3C>T

Gene: COL5A1 (collagen type V alpha 1 chain; plus strand). Cytogenetic location: 9q34.3.
Variant type: single nucleotide variant.
Coding change: c.1495-3C>T on transcript NM_000093.5 (MANE Select); 3 bases into the intron before coding-DNA position 1495, C replaced by T.
Molecular consequence: intron variant.
Genome position (GRCh38, 1-based): chr9:134,750,539, C>T. VCF-style: chr9-134750539-C-T. GRCh37 (hg19) VCF-style: chr9-137642385-C-T.
Other names: c.1495-3C>T (NM_001278074.1).
Identifiers: ClinVar variation 1519628 (VCV001519628.5), dbSNP rs943808454, ClinGen allele CA201086127.